The following is an entry in ClinVar:

ClinVar aggregate classification (germline): Uncertain significance (1 of 4 stars; one submission).

gnomAD v4.1: 2 of 1,613,440 alleles (0.00012%); highest among the groups gnomAD compares: Non-Finnish European, 0.000085%; no homozygotes.

Submission:

Labcorp Genetics (formerly Invitae), Labcorp
Classification: Uncertain significance. Last evaluated: 2025-09-10. Review status: criteria provided, single submitter. Criteria: Invitae Variant Classification Sherloc (09022015). Collection method: clinical testing. Allele origin: germline.
Comment: This sequence change replaces histidine, which is basic and polar, with asparagine, which is neutral and polar, at codon 530 of the OBSL1 protein (p.His530Asn). This variant is not present in population databases (gnomAD no frequency). This variant has not been reported in the literature in individuals affected with OBSL1-related conditions. An algorithm developed to predict the effect of missense changes on protein structure and function (PolyPhen-2) suggests that this variant is likely to be tolerated. In summary, the available evidence is currently insufficient to determine the role of this variant in disease. Therefore, it has been classified as a Variant of Uncertain Significance.

NM_015311.3(OBSL1):c.1588C>A (p.His530Asn)

Gene: OBSL1 (obscurin like cytoskeletal adaptor 1; minus strand). Cytogenetic location: 2q35.
Variant type: single nucleotide variant.
Coding change: c.1588C>A on transcript NM_015311.3 (MANE Select); coding-DNA position 1588, C replaced by A.
Protein change: p.His530Asn; replaces histidine 530 with asparagine.
Molecular consequence: missense variant.
Genome position (GRCh38, 1-based): chr2:219,567,522, G>T on the plus strand (C>A on the coding strand, the complement: OBSL1 is on the minus strand). VCF-style: chr2-219567522-G-T. GRCh37 (hg19) VCF-style: chr2-220432244-G-T.
Other names: c.1588C>A, p.His530Asn (NM_001173408.2, NM_001173431.2); short protein forms H530N.
Identifiers: ClinVar variation 4726958 (VCV004726958.1).
Genomic context (GRCh38, chr2:219,567,522, plus strand): 5'-TGAATGGGGTCTCGGGAGCTGGCTCGGGAGGCTTCCAGGTCAACAGGACCGTGTTCTTGT[G>T]GCCCTTGAACATCTCTGCCAATATGGGGGGTCCTGGGGGACTGTGCTTGACACCTGAGAC-3'
Protein context (NP_056126.1, residues 520-540): PPILAEMFKG[His530Asn]KNTVLLTWKP